The following is an entry in ClinVar:

NM_003072.5(SMARCA4):c.4478A>C (p.Glu1493Ala)

Gene: SMARCA4 (SWI/SNF related BAF chromatin remodeling complex subunit ATPase 4; plus strand). Cytogenetic location: 19p13.2.
Variant type: single nucleotide variant.
Coding change: c.4478A>C on transcript NM_003072.5 (MANE Select); coding-DNA position 4478, A replaced by C.
Protein change: p.Glu1493Ala; replaces glutamic acid 1493 with alanine.
Molecular consequence: missense variant. On other transcripts: non-coding transcript variant (1).
Genome position (GRCh38, 1-based): chr19:11,058,308, A>C. VCF-style: chr19-11058308-A-C. GRCh37 (hg19) VCF-style: chr19-11168984-A-C.
Other names: c.4478A>C, p.Glu1493Ala (NM_001128844.3); c.4388A>C, p.Glu1463Ala (NM_001128845.2); c.4385A>C, p.Glu1462Ala (NM_001128846.2); c.4379A>C, p.Glu1460Ala (NM_001128847.4, NM_001374457.1); c.4376A>C, p.Glu1459Ala (NM_001128848.2); c.4574A>C, p.Glu1525Ala (NM_001128849.3, NM_001387283.1); short protein forms E1525A, E1493A, E1460A, E1463A, E1459A, E1462A.
Identifiers: ClinVar variation 579372 (VCV000579372.16), dbSNP rs1568560821, ClinGen allele CA404077602.

ClinVar aggregate classification (germline): Conflicting classifications of pathogenicity. Review status: criteria provided, conflicting classifications (1 of 4 stars). 3 submissions from 3 submitters: Uncertain significance (2); Likely benign (1). Last evaluated 2026-02-03.

Conditions:
Intellectual disability, autosomal dominant 16 (CSS4). Also called: COFFIN-SIRIS SYNDROME 4. Identifiers: Orphanet 1465, MedGen C3553249, MONDO:0013821, OMIM 614609.
Rhabdoid tumor predisposition syndrome 2 (RTPS2). Identifiers: Orphanet 231108, Orphanet 69077, MedGen C2750074, MONDO:0013224, OMIM 613325.
Hereditary cancer-predisposing syndrome. Also called: Neoplastic Syndromes, Hereditary; Tumor predisposition; Hereditary neoplastic syndrome; Hereditary Cancer Syndrome. Identifiers: Orphanet 140162, MedGen C0027672, MeSH D009386, MONDO:0015356.

Allele frequency attached by ClinVar (database versions not stated): gnomAD exomes below 0.00001.
gnomAD v4.1: 2 of 1,613,608 alleles (0.00012%); highest among the groups gnomAD compares: Non-Finnish European, 0.00017%; no homozygotes.

Submissions (3):

Labcorp Genetics (formerly Invitae), Labcorp
Classification: Uncertain significance for Rhabdoid tumor predisposition syndrome 2. Last evaluated: 2026-02-03. Review status: criteria provided, single submitter. Criteria: Invitae Variant Classification Sherloc (09022015). Collection method: clinical testing. Allele origin: germline.
Comment: This sequence change replaces glutamic acid, which is acidic and polar, with alanine, which is neutral and non-polar, at codon 1525 of the SMARCA4 protein (p.Glu1525Ala). This variant is not present in population databases (gnomAD no frequency). This missense change has been observed in individual(s) with clinical features of SMARCA4 related conditions (PMID: 37500730). ClinVar contains an entry for this variant (Variation ID: 579372). Invitae Evidence Modeling of protein sequence and biophysical properties (such as structural, functional, and spatial information, amino acid conservation, physicochemical variation, residue mobility, and thermodynamic stability) indicates that this missense variant is expected to disrupt SMARCA4 protein function with a positive predictive value of 95%. In summary, the available evidence is currently insufficient to determine the role of this variant in disease. Therefore, it has been classified as a Variant of Uncertain Significance.

Ambry Genetics
Classification: Likely benign for Hereditary cancer-predisposing syndrome. Last evaluated: 2023-11-14. Review status: criteria provided, single submitter. Criteria: Ambry Variant Classification Scheme 2023. Collection method: clinical testing. Allele origin: germline.

Genome-Nilou Lab
Classification: Uncertain significance for Intellectual disability, autosomal dominant 16. Last evaluated: 2021-07-15. Review status: criteria provided, single submitter. Criteria: ACMG Guidelines, 2015. Collection method: clinical testing. Allele origin: germline. Affected: no.

Literature cited by the submitters: PubMed 37500730 (cited by Labcorp Genetics (formerly Invitae), Labcorp).